The following is an entry in ClinVar:

NM_020549.5(CHAT):c.933+140G>A

Gene: CHAT (choline O-acetyltransferase; plus strand). Cytogenetic location: 10q11.23.
Variant type: single nucleotide variant.
Coding change: c.933+140G>A on transcript NM_020549.5 (MANE Select); 140 bases into the intron after coding-DNA position 933, G replaced by A.
Molecular consequence: intron variant.
Genome position (GRCh38, 1-based): chr10:49,625,793, G>A. VCF-style: chr10-49625793-G-A. GRCh37 (hg19) VCF-style: chr10-50833839-G-A.
Other names: c.579+140G>A (NM_020984.4, NM_020985.4, NM_020986.4 and 2 more transcripts); c.687+140G>A (NM_001142933.2).
Identifiers: ClinVar variation 680208 (VCV000680208.2), dbSNP rs868750, ClinGen allele CA13363384.

ClinVar aggregate classification (germline): Benign. Review status: criteria provided, multiple submitters, no conflicts (2 of 4 stars). 2 submissions from 2 submitters: Benign (2). Last evaluated 2018-06-16.

Allele frequency attached by ClinVar (database versions not stated): 1000 Genomes Project 30x 0.09135; 1000 Genomes Project 0.09764; TOPMed 0.12034; gnomAD 0.12650 and 0.12764; gnomAD exomes 0.16166.
gnomAD v4.1: 135,835 of 874,318 alleles (16%); highest among the groups gnomAD compares: Middle Eastern, 19%; 11,419 homozygotes.

Submissions (2):

GeneDx
Classification: Benign. Last evaluated: 2018-06-16. Review status: criteria provided, single submitter. Criteria: GeneDx Variant Classification (06012015). Collection method: clinical testing. Allele origin: germline. Affected: yes.
Comment: This variant is considered likely benign or benign based on one or more of the following criteria: it is a conservative change, it occurs at a poorly conserved position in the protein, it is predicted to be benign by multiple in silico algorithms, and/or has population frequency not consistent with disease.

Breakthrough Genomics
Classification: Benign. Review status: criteria provided, single submitter. Criteria: ACMG Guidelines, 2015. Collection method: not provided. Allele origin: germline. Inheritance: Autosomal recessive inheritance. Affected: yes.